The following is an entry in ClinVar:

ClinVar aggregate classification (germline): Uncertain significance (1 of 4 stars; one submission).

Submission:

Labcorp Genetics (formerly Invitae), Labcorp
Classification: Uncertain significance. Last evaluated: 2025-02-02. Review status: criteria provided, single submitter. Criteria: Invitae Variant Classification Sherloc (09022015). Collection method: clinical testing. Allele origin: germline.
Comment: This sequence change replaces alanine, which is neutral and non-polar, with glycine, which is neutral and non-polar, at codon 135 of the CTNNB1 protein (p.Ala135Gly). This variant is not present in population databases (gnomAD no frequency). This variant has not been reported in the literature in individuals affected with CTNNB1-related conditions. Invitae Evidence Modeling of protein sequence and biophysical properties (such as structural, functional, and spatial information, amino acid conservation, physicochemical variation, residue mobility, and thermodynamic stability) indicates that this missense variant is expected to disrupt CTNNB1 protein function with a positive predictive value of 80%. In summary, the available evidence is currently insufficient to determine the role of this variant in disease. Therefore, it has been classified as a Variant of Uncertain Significance.

NM_001904.4(CTNNB1):c.404C>G (p.Ala135Gly)

Genes: CTNNB1 (catenin beta 1; plus strand), LOC126806658 (BRD4-independent group 4 enhancer GRCh37_chr3:41265899-41267098; plus strand). Cytogenetic location: 3p22.1.
Variant type: single nucleotide variant.
Coding change: c.404C>G on transcript NM_001904.4 (MANE Select); coding-DNA position 404, C replaced by G.
Protein change: p.Ala135Gly; replaces alanine 135 with glycine.
Molecular consequence: missense variant.
Genome position (GRCh38, 1-based): chr3:41,225,116, C>G. VCF-style: chr3-41225116-C-G. GRCh37 (hg19) VCF-style: chr3-41266607-C-G.
Other names: c.404C>G, p.Ala135Gly (NM_001098209.2, NM_001098210.2, NM_001438871.1 and 4 more transcripts); c.383C>G, p.Ala128Gly (NM_001330729.2); short protein forms A128G, A135G.
Identifiers: ClinVar variation 4729387 (VCV004729387.1).